The following is an entry in ClinVar:

ClinVar aggregate classification (germline): Pathogenic. Review status: criteria provided, single submitter (1 of 4 stars). 2 submissions from 1 submitter: Pathogenic (1). 1 of the submissions does not count toward it. Last evaluated 2023-12-15.

Conditions:
Familial adenomatous polyposis 1 (FAP1). Also called: FAMILIAL ADENOMATOUS POLYPOSIS 1, ATTENUATED; POLYPOSIS, ADENOMATOUS INTESTINAL. Identifiers: MedGen C2713442, MONDO:0021056, OMIM 175100. Disease mechanism: loss of function.

Submissions (2):

Labcorp Genetics (formerly Invitae), Labcorp
Classification: Pathogenic for Familial adenomatous polyposis 1. Last evaluated: 2023-12-15. Review status: criteria provided, single submitter. Criteria: Invitae Variant Classification Sherloc (09022015). Collection method: clinical testing. Allele origin: germline.
Comment: A gross deletion of the genomic region encompassing the full coding sequence of the APC gene has been identified. Loss-of-function variants in APC are known to be pathogenic (PMID: 17963004, 20685668). The boundaries of this event are unknown as they extend beyond the assayed region for this gene and therefore may encompass additional genes. A similar copy number variant has been observed in individual(s) with familial adenomatous polyposis (PMID: 18487285, 19279422, 21643010). For these reasons, this variant has been classified as Pathogenic.

Labcorp Genetics (formerly Invitae), Labcorp
Classification: Pathogenic for Familial adenomatous polyposis 1. Last evaluated: 2020-01-07. Review status: flagged submission. Criteria: Invitae Variant Classification Sherloc (09022015). Collection method: clinical testing. Allele origin: germline. Not counted in ClinVar's aggregate classification.
Comment: A gross deletion of the genomic region encompassing the full coding sequence of the APC gene has been identified. The boundaries of this event are unknown as the deletion extends beyond the assayed region for this gene and therefore may encompass additional genes. Similar deletions encompassing the entire APC sequence have been observed in individuals with familial adenomatous polyposis (PMID: 18487285, 19279422, 21643010). ClinVar contains an entry for this variant (Variation ID: 236555). Loss-of-function variants in APC are known to be pathogenic (PMID: 17963004, 20685668). For these reasons, this variant has been classified as Pathogenic.
ClinVar note: Reason: This record appears to be redundant with a more recent record from the same submitter.
ClinVar note: Notes: SCV000961313 appears to be redundant with SCV002128184.

Literature cited by the submitters: PubMed 17963004; PubMed 20685668; PubMed 18487285; PubMed 19279422; PubMed 21643010.

NC_000005.10:g.(?_112707312)_(112844126_?)del

Genes: APC (APC regulator of Wnt signaling pathway; plus strand), LOC129994371 (ATAC-STARR-seq lymphoblastoid active region 22910; plus strand). Cytogenetic location: 5q22.2.
Variant type: Deletion.
Identifiers: ClinVar variation 662855 (VCV000662855.8).